The following is an entry in ClinVar:

ClinVar aggregate classification (germline): Likely pathogenic (1 of 4 stars; one submission).

Submission:

CeGaT Center for Human Genetics Tuebingen
Classification: Likely pathogenic. Last evaluated: 2024-05-01. Review status: criteria provided, single submitter. Criteria: CeGaT Center For Human Genetics Tuebingen Variant Classification Criteria Version 2. Collection method: clinical testing. Allele origin: germline. Affected: yes. Observed: 3 variant alleles.
Comment: TAFAZZIN: PVS1:Strong, PM2, PS1:Supporting

NM_000116.5(TAFAZZIN):c.542-2A>T

Gene: TAFAZZIN (tafazzin, phospholipid-lysophospholipid transacylase; plus strand). Cytogenetic location: Xq28.
Variant type: single nucleotide variant.
Coding change: c.542-2A>T on transcript NM_000116.5 (MANE Select); the canonical splice acceptor site of the intron before coding-DNA position 542, A replaced by T.
Molecular consequence: splice acceptor variant. On other transcripts: intron variant (3).
Genome position (GRCh38, 1-based): chrX:154,419,703, A>T. VCF-style: chrX-154419703-A-T. GRCh37 (hg19) VCF-style: chrX-153648042-A-T.
Other names: c.595+80A>T (NM_001303465.2); c.506-2A>T (NM_001410698.1); c.541+80A>T (NM_181312.4); c.452-2A>T (NM_181311.4); c.451+80A>T (NM_181313.4).
Identifiers: ClinVar variation 1879779 (VCV001879779.29), dbSNP rs2068574381, ClinGen allele CA415183807.